The following is an entry in ClinVar:

NM_177438.3(DICER1):c.2003A>C (p.Tyr668Ser)

Gene: DICER1 (dicer 1, ribonuclease III; minus strand). Cytogenetic location: 14q32.13.
Variant type: single nucleotide variant.
Coding change: c.2003A>C on transcript NM_177438.3 (MANE Select); coding-DNA position 2003, A replaced by C.
Protein change: p.Tyr668Ser; replaces tyrosine 668 with serine.
Molecular consequence: missense variant.
Genome position (GRCh38, 1-based): chr14:95,113,129, T>G on the plus strand (A>C on the coding strand, the complement: DICER1 is on the minus strand). VCF-style: chr14-95113129-T-G. GRCh37 (hg19) VCF-style: chr14-95579466-T-G.
Other names: c.2003A>C, p.Tyr668Ser (NM_001195573.1, NM_001271282.3, NM_001291628.2 and 1 more transcripts); short protein forms Y668S.
Identifiers: ClinVar variation 938873 (VCV000938873.12), dbSNP rs1892127098, ClinGen allele CA390883226.
Genomic context (GRCh38, chr14:95,113,129, plus strand): 5'-ATCATTTCTTCTTCTAAACTTACAACAATGGAGGCTCGAAGAGGTGAGTTAATTGGCAGA[T>G]AAAGAGTTGAATAAAATGTACCATCAGGCAACTCTCGGGTTCTGCATTTAGGAGCTAGAT-3'
Protein context (NP_803187.1, residues 658-678): LPDGTFYSTL[Tyr668Ser]LPINSPLRAS

ClinVar aggregate classification (germline): Uncertain significance. Review status: criteria provided, multiple submitters, no conflicts (2 of 4 stars). 2 submissions from 2 submitters: Uncertain significance (2). Last evaluated 2025-04-18.

Conditions:
DICER1-related tumor predisposition. Also called: DICER1 syndrome; DICER1-related pleuropulmonary blastoma cancer predisposition syndrome. Identifiers: Orphanet 284343, MedGen C3839822, MONDO:0100216.
Hereditary cancer-predisposing syndrome. Also called: Tumor predisposition; Hereditary neoplastic syndrome; Neoplastic Syndromes, Hereditary; Hereditary Cancer Syndrome. Identifiers: Orphanet 140162, MedGen C0027672, MeSH D009386, MONDO:0015356.

Submissions (2):

Labcorp Genetics (formerly Invitae), Labcorp
Classification: Uncertain significance for DICER1-related tumor predisposition. Last evaluated: 2025-04-18. Review status: criteria provided, single submitter. Criteria: Invitae Variant Classification Sherloc (09022015). Collection method: clinical testing. Allele origin: germline.
Comment: This sequence change replaces tyrosine, which is neutral and polar, with serine, which is neutral and polar, at codon 668 of the DICER1 protein (p.Tyr668Ser). This variant is not present in population databases (gnomAD no frequency). This variant has not been reported in the literature in individuals affected with DICER1-related conditions. ClinVar contains an entry for this variant (Variation ID: 938873). Invitae Evidence Modeling of protein sequence and biophysical properties (such as structural, functional, and spatial information, amino acid conservation, physicochemical variation, residue mobility, and thermodynamic stability) indicates that this missense variant is not expected to disrupt DICER1 protein function with a negative predictive value of 95%. In summary, the available evidence is currently insufficient to determine the role of this variant in disease. Therefore, it has been classified as a Variant of Uncertain Significance.

Ambry Genetics
Classification: Uncertain significance for Hereditary cancer-predisposing syndrome. Last evaluated: 2023-08-20. Review status: criteria provided, single submitter. Criteria: Ambry Variant Classification Scheme 2023. Collection method: clinical testing. Allele origin: germline.
Comment: The p.Y668S variant (also known as c.2003A>C), located in coding exon 11 of the DICER1 gene, results from an A to C substitution at nucleotide position 2003. The tyrosine at codon 668 is replaced by serine, an amino acid with dissimilar properties. This amino acid position is well conserved in available vertebrate species. In addition, the in silico prediction for this alteration is inconclusive. Since supporting evidence is limited at this time, the clinical significance of this alteration remains unclear.